The following is an entry in ClinVar:

NM_052867.4(NALCN):c.4985A>G (p.Lys1662Arg)

Genes: NALCN-AS1 (NALCN antisense RNA 1; plus strand), NALCN (sodium leak channel, non-selective; minus strand). Cytogenetic location: 13q32.3.
Variant type: single nucleotide variant.
Coding change: c.4985A>G on transcript NM_052867.4 (MANE Select); coding-DNA position 4985, A replaced by G.
Protein change: p.Lys1662Arg; replaces lysine 1662 with arginine.
Molecular consequence: missense variant. On other transcripts: non-coding transcript variant (1).
Genome position (GRCh38, 1-based): chr13:101,057,977, T>C on the plus strand (A>G on the coding strand, the complement: NALCN is on the minus strand). VCF-style: chr13-101057977-T-C. GRCh37 (hg19) VCF-style: chr13-101710329-T-C.
Other names: c.5072A>G, p.Lys1691Arg (NM_001350748.2); c.4985A>G, p.Lys1662Arg (NM_001350749.2); c.4898A>G, p.Lys1633Arg (NM_001350750.2, NM_001350751.2); short protein forms K1633R, K1662R, K1691R.
Identifiers: ClinVar variation 4625756 (VCV004625756.3).
Genomic context (GRCh38, chr13:101,057,977, plus strand): 5'-AGAAATGCCTGGATGGACCTACCTGAGGGCAGACGCCACTGCCCAAATTTCCTCTGGGGT[T>C]TCCCTGCGTCGGCTGCATCTTGCCGACTTCCTCCTCGATCCGACAGCGTGGGGCTCAGGA-3'
Protein context (NP_443099.1, residues 1652-1672): GSRQDAADAG[Lys1662Arg]PQRKFGQWRL

ClinVar aggregate classification (germline): Uncertain significance. Review status: criteria provided, multiple submitters, no conflicts (2 of 4 stars). 2 submissions from 2 submitters: Uncertain significance (2). Last evaluated 2025-12-04.

Conditions:
Inborn genetic diseases. Identifiers: MedGen C0950123, MeSH D030342.

Submissions (2):

Ambry Genetics
Classification: Uncertain significance for Inborn genetic diseases. Last evaluated: 2025-12-04. Review status: criteria provided, single submitter. Criteria: Ambry Variant Classification Scheme 2023. Collection method: clinical testing. Allele origin: germline.

Dasa
Classification: Uncertain significance. Last evaluated: 2025-06-14. Review status: criteria provided, single submitter. Criteria: DASA Assertion Criteria. Collection method: clinical testing. Allele origin: germline.
Comment: NM_052867.4(NALCN):c.4985A>G (p.Lys1662Arg) is a missense variant that results in the substitution of lysine with arginine. This variant is absent from population databases. Computational prediction algorithms are consistent with a benign effect. The currently available literature and clinical evidence are not sufficient to establish a definitive association between this variant and the reported condition. Therefore, this variant is classified as a variant of uncertain significance.